The following is an entry in ClinVar:

ClinVar aggregate classification (germline): Pathogenic/Likely pathogenic. Review status: criteria provided, multiple submitters, no conflicts (2 of 4 stars). 3 submissions from 3 submitters: Pathogenic (2); Likely pathogenic (1). Last evaluated 2025-07-30.

Conditions:
Hereditary cancer-predisposing syndrome. Also called: Neoplastic Syndromes, Hereditary; Tumor predisposition; Hereditary Cancer Syndrome; Hereditary neoplastic syndrome. Identifiers: Orphanet 140162, MedGen C0027672, MeSH D009386, MONDO:0015356.
Endometrial carcinoma. Also called: Endometrial carcinoma, somatic. Identifiers: MedGen C0476089, MONDO:0002447, OMIM 608089, HP:0012114.
Lynch syndrome 5 (LYNCH5). Also called: Colorectal cancer, hereditary nonpolyposis, type 5; Hereditary non-polyposis colorectal cancer, type 5. Identifiers: Orphanet 144, MedGen C1833477, MONDO:0013710, OMIM 614350. Disease mechanism: loss of function.

Submissions (3):

Myriad Genetics, Inc.
Classification: Pathogenic for Lynch syndrome 5. Last evaluated: 2025-07-30. Review status: criteria provided, single submitter. Criteria: Myriad Autosomal Dominant, Autosomal Recessive and X-Linked Classification Criteria (2023). Collection method: clinical testing. Allele origin: unknown.
Comment: This variant is considered pathogenic. This variant creates a frameshift predicted to result in premature protein truncation.

Ambry Genetics
Classification: Pathogenic for Hereditary cancer-predisposing syndrome. Last evaluated: 2022-06-01. Review status: criteria provided, single submitter. Criteria: Ambry Variant Classification Scheme 2023. Collection method: clinical testing. Allele origin: germline.
Comment: The c.185_186delGC pathogenic mutation, located in coding exon 1 of the MSH6 gene, results from a deletion of two nucleotides at nucleotide positions 185 to 186, causing a translational frameshift with a predicted alternate stop codon (p.R62Lfs*27). This variant is considered to be rare based on population cohorts in the Genome Aggregation Database (gnomAD). This alteration is expected to result in loss of function by premature protein truncation or nonsense-mediated mRNA decay. As such, this alteration is interpreted as a disease-causing mutation.

Baylor Genetics
Classification: Likely pathogenic for Endometrial carcinoma. Last evaluated: 2020-10-07. Review status: criteria provided, single submitter. Criteria: ACMG Guidelines, 2015. Collection method: clinical testing. Allele origin: unknown.

NM_000179.3(MSH6):c.185_186del (p.Arg62fs)

Gene: MSH6 (mutS homolog 6; plus strand). Cytogenetic location: 2p16.3.
Variant type: Microsatellite.
Coding change: c.185_186del on transcript NM_000179.3 (MANE Select); coding-DNA positions 185 to 186, 2 bases deleted (GC; older notation c.185_186delGC).
Protein change: p.Arg62fs; shifts the reading frame from arginine 62.
Molecular consequence: frameshift variant. On other transcripts: 5 prime UTR variant (1).
Genome position (GRCh38, 1-based): chr2:47,783,418-47,783,419, GC deleted; deleting any 2 consecutive bases within chr2:47,783,414-47,783,419 gives the same sequence; the c. name uses the placement nearest the transcript's 3' end. VCF-style (leftmost placement, unchanged base first): chr2-47783413-GGC-G. GRCh37 (hg19) VCF-style: chr2-48010552-GGC-G.
Other names: c.181_182GC[2], p.Arg62Leufs (NM_000179.2, NM_001406795.1, NM_001406796.1 and 9 more transcripts); c.185_186del, p.Arg62fs (NM_001281492.2); c.-556GC[2] (NM_001281493.2); c.-148_-147GC[2] (NM_001406799.1); c.126_127GC[2], p.Ala44Serfs (NM_001406804.1); c.-748_-747GC[2] (NM_001406807.1); c.-556_-555GC[2] (NM_001406811.1); c.-403_-402GC[2] (NM_001406812.1); and 3 more; short protein forms R62fs.
Identifiers: ClinVar variation 1781305 (VCV001781305.4), dbSNP rs775928689, ClinGen allele CA068161.